The following is an entry in ClinVar:

ClinVar aggregate classification (germline): Uncertain significance (1 of 4 stars; one submission).

Conditions:
POLR1A-related disorder. Also called: POLR1A-related condition.

Submission:

PreventionGenetics, part of Exact Sciences
Classification: Uncertain significance for POLR1A-related condition. Last evaluated: 2025-10-20. Review status: criteria provided, single submitter. Criteria: ACMG Guidelines, 2015. Collection method: clinical testing. Allele origin: germline.
Comment: The POLR1A c.3803T>G variant is predicted to result in the amino acid substitution p.Val1268Gly. To our knowledge, this variant has not been reported in the literature or in a large population database (gnomAD), indicating this variant is rare. At this time, the clinical significance of this variant is uncertain due to the absence of conclusive functional and genetic evidence.

NM_015425.6(POLR1A):c.3803T>G (p.Val1268Gly)

Genes: POLR1A (RNA polymerase I subunit A; minus strand), LOC106783498 (conserved acetylation island sequence 34 enhancer; plus strand). Cytogenetic location: 2p11.2.
Variant type: single nucleotide variant.
Coding change: c.3803T>G on transcript NM_015425.6 (MANE Select); coding-DNA position 3803, T replaced by G.
Protein change: p.Val1268Gly; replaces valine 1268 with glycine.
Molecular consequence: missense variant.
Genome position (GRCh38, 1-based): chr2:86,039,400, A>C on the plus strand (T>G on the coding strand, the complement: POLR1A is on the minus strand). VCF-style: chr2-86039400-A-C. GRCh37 (hg19) VCF-style: chr2-86266523-A-C.
Other names: short protein forms V1268G.
Identifiers: ClinVar variation 4983611 (VCV004983611.1).